The following is an entry in ClinVar:

NM_004064.5(CDKN1B):c.224A>T (p.Glu75Val)

Gene: CDKN1B (cyclin dependent kinase inhibitor 1B; plus strand). Cytogenetic location: 12p13.1.
Variant type: single nucleotide variant.
Coding change: c.224A>T on transcript NM_004064.5 (MANE Select); coding-DNA position 224, A replaced by T.
Protein change: p.Glu75Val; replaces glutamic acid 75 with valine.
Molecular consequence: missense variant.
Genome position (GRCh38, 1-based): chr12:12,718,063, A>T. VCF-style: chr12-12718063-A-T. GRCh37 (hg19) VCF-style: chr12-12870997-A-T.
Other names: short protein forms E75V.
Identifiers: ClinVar variation 568602 (VCV000568602.13), dbSNP rs1565419420, ClinGen allele CA383969620.

ClinVar aggregate classification (germline): Uncertain significance. Review status: criteria provided, multiple submitters, no conflicts (2 of 4 stars). 3 submissions from 3 submitters: Uncertain significance (3). Last evaluated 2025-04-13.

Conditions:
Multiple endocrine neoplasia type 4. Also called: MULTIPLE ENDOCRINE NEOPLASIA, TYPE IV. Identifiers: Orphanet 276152, MedGen C1970712, MONDO:0012552, OMIM 610755.
Hereditary cancer-predisposing syndrome. Also called: Neoplastic Syndromes, Hereditary; Tumor predisposition; Hereditary Cancer Syndrome; Hereditary neoplastic syndrome. Identifiers: Orphanet 140162, MedGen C0027672, MeSH D009386, MONDO:0015356.

Allele frequency attached by ClinVar (database versions not stated): gnomAD exomes below 0.00001.
gnomAD v4.1: 2 of 1,614,242 alleles (0.00012%); highest among the groups gnomAD compares: Non-Finnish European, 0.00017%; no homozygotes.

Submissions (3):

Labcorp Genetics (formerly Invitae), Labcorp
Classification: Uncertain significance for Multiple endocrine neoplasia type 4. Last evaluated: 2025-04-13. Review status: criteria provided, single submitter. Criteria: Invitae Variant Classification Sherloc (09022015). Collection method: clinical testing. Allele origin: germline.
Comment: This sequence change replaces glutamic acid, which is acidic and polar, with valine, which is neutral and non-polar, at codon 75 of the CDKN1B protein (p.Glu75Val). This variant is not present in population databases (gnomAD no frequency). This variant has not been reported in the literature in individuals affected with CDKN1B-related conditions. ClinVar contains an entry for this variant (Variation ID: 568602). An algorithm developed to predict the effect of missense changes on protein structure and function (PolyPhen-2) suggests that this variant is likely to be disruptive. In summary, the available evidence is currently insufficient to determine the role of this variant in disease. Therefore, it has been classified as a Variant of Uncertain Significance.

Ambry Genetics
Classification: Uncertain significance for Hereditary cancer-predisposing syndrome. Last evaluated: 2024-11-21. Review status: criteria provided, single submitter. Criteria: Ambry Variant Classification Scheme 2023. Collection method: clinical testing. Allele origin: germline.
Comment: The p.E75V variant (also known as c.224A>T), located in coding exon 1 of the CDKN1B gene, results from an A to T substitution at nucleotide position 224. The glutamic acid at codon 75 is replaced by valine, an amino acid with dissimilar properties. This amino acid position is conserved. In addition, the in silico prediction for this alteration is inconclusive. Since supporting evidence is limited at this time, the clinical significance of this alteration remains unclear.

Baylor Genetics
Classification: Uncertain significance for Multiple endocrine neoplasia type 4. Last evaluated: 2023-05-05. Review status: criteria provided, single submitter. Criteria: ACMG Guidelines, 2015. Collection method: clinical testing. Allele origin: unknown.